The following is an entry in ClinVar:

NM_014258.4(SYCP2):c.2312A>C (p.Glu771Ala)

Gene: SYCP2 (synaptonemal complex protein 2; minus strand). Cytogenetic location: 20q13.33.
Variant type: single nucleotide variant.
Coding change: c.2312A>C on transcript NM_014258.4 (MANE Select); coding-DNA position 2312, A replaced by C.
Protein change: p.Glu771Ala; replaces glutamic acid 771 with alanine.
Molecular consequence: missense variant.
Genome position (GRCh38, 1-based): chr20:59,892,042, T>G on the plus strand (A>C on the coding strand, the complement: SYCP2 is on the minus strand). VCF-style: chr20-59892042-T-G. GRCh37 (hg19) VCF-style: chr20-58467097-T-G.
Other names: short protein forms E771A.
Identifiers: ClinVar variation 2498891 (VCV002498891.28), dbSNP rs117549957, ClinGen allele CA9931908.
Genomic context (GRCh38, chr20:59,892,042, plus strand): 5'-AAGCTCACCATTTTTTTTTGTTTCGAATCCCAGGAATTAAGCTCAGAAGTCAATTCTTTC[T>G]CTGCTTTTCTATGACTTTGCACATTTTTGCTAGCAGATGGATTTTTATCGCAAGTAGCAG-3'
Protein context (NP_055073.2, residues 761-781): SKNVQSHRKA[Glu771Ala]KELTSELNSW

ClinVar aggregate classification (germline): Likely benign (1 of 4 stars; one submission).

Allele frequency attached by ClinVar (database versions not stated): ESP Exome Variant Server 0.00185; TOPMed 0.00196; gnomAD 0.00204; ExAC 0.00284; 1000 Genomes Project 30x 0.00297; 1000 Genomes Project 0.00359.
gnomAD v4.1: 4,149 of 1,607,208 alleles (0.26%); highest among the groups gnomAD compares: Middle Eastern, 1%; 14 homozygotes.

Submission:

CeGaT Center for Human Genetics Tuebingen
Classification: Likely benign. Last evaluated: 2023-01-01. Review status: criteria provided, single submitter. Criteria: CeGaT Center For Human Genetics Tuebingen Variant Classification Criteria Version 2. Collection method: clinical testing. Allele origin: germline. Affected: yes. Observed: 1 variant allele.
Comment: SYCP2: BP4, BS2